The following is an entry in ClinVar:

NM_006941.4(SOX10):c.1241A>C (p.His414Pro)

Genes: POLR2F (RNA polymerase II, I and III subunit F; plus strand), SOX10 (SRY-box transcription factor 10; minus strand). Cytogenetic location: 22q13.1.
Variant type: single nucleotide variant.
Coding change: c.1241A>C on transcript NM_006941.4 (MANE Select); coding-DNA position 1241, A replaced by C.
Protein change: p.His414Pro; replaces histidine 414 with proline.
Molecular consequence: missense variant. On other transcripts: intron variant (3).
Genome position (GRCh38, 1-based): chr22:37,973,655, T>G on the plus strand (A>C on the coding strand, the complement: SOX10 is on the minus strand). VCF-style: chr22-37973655-T-G. GRCh37 (hg19) VCF-style: chr22-38369662-T-G.
Other names: p.His414Pro; c.*38+1345T>G (NM_001363825.1); c.293+6485T>G (NM_001301130.2, NM_001301131.2); short protein forms H414P.
Identifiers: ClinVar variation 2046700 (VCV002046700.5), dbSNP rs748666965, ClinGen allele CA10228508.

ClinVar aggregate classification (germline): Conflicting classifications of pathogenicity. Review status: criteria provided, conflicting classifications (1 of 4 stars). 4 submissions from 4 submitters: Uncertain significance (1); Benign (1); Likely benign (1). 1 of the submissions does not count toward it. Last evaluated 2025-11-22.

Conditions:
SOX10-related disorder. Also called: SOX10-related condition.

Allele frequency attached by ClinVar (database versions not stated): TOPMed 0.00009; ExAC 0.00003; gnomAD 0.00007; gnomAD exomes 0.00013.
gnomAD v4.1: 204 of 1,613,426 alleles (0.013%); highest among the groups gnomAD compares: Non-Finnish European, 0.016%; no homozygotes.

Submissions (4):

Labcorp Genetics (formerly Invitae), Labcorp
Classification: Benign. Last evaluated: 2025-11-22. Review status: criteria provided, single submitter. Criteria: Invitae Variant Classification Sherloc (09022015). Collection method: clinical testing. Allele origin: germline.

Mayo Clinic Laboratories, Mayo Clinic
Classification: Uncertain significance. Last evaluated: 2025-05-02. Review status: criteria provided, single submitter. Criteria: ACMG Guidelines, 2015. Collection method: clinical testing. Allele origin: germline. Observed: 1 variant allele.
Comment: BS2

Blueprint Genetics
Classification: Likely benign. Last evaluated: 2023-05-03. Review status: criteria provided, single submitter. Criteria: ACMG Guidelines, 2015. Collection method: clinical testing. Allele origin: germline.

PreventionGenetics, part of Exact Sciences
Classification: Uncertain significance for SOX10-related condition. Last evaluated: 2024-04-03. Review status: no assertion criteria provided. Collection method: clinical testing. Allele origin: germline. Not counted in ClinVar's aggregate classification.
Comment: The SOX10 c.1241A>C variant is predicted to result in the amino acid substitution p.His414Pro. To our knowledge, this variant has not been reported in the literature. This variant is reported in 0.010% of alleles in individuals of European (Non-Finnish) descent in gnomAD. At this time, the clinical significance of this variant is uncertain due to the absence of conclusive functional and genetic evidence.

Literature cited by the submitters: PubMed 38623954 (cited by Mayo Clinic Laboratories, Mayo Clinic).